The following is an entry in ClinVar:

ClinVar aggregate classification (germline): Uncertain significance (1 of 4 stars; one submission).

gnomAD v4.1: 19 of 1,614,056 alleles (0.0012%); highest among the groups gnomAD compares: Non-Finnish European, 0.0015%; no homozygotes.

Submission:

GeneDx
Classification: Uncertain significance. Last evaluated: 2024-01-25. Review status: criteria provided, single submitter. Criteria: GeneDx Variant Classification Process June 2021. Collection method: clinical testing. Allele origin: germline. Affected: yes.
Comment: Not observed at significant frequency in large population cohorts (gnomAD); In silico analysis supports that this missense variant has a deleterious effect on protein structure/function; Has not been previously published as pathogenic or benign to our knowledge

NM_000532.5(PCCB):c.1276A>C (p.Lys426Gln)

Gene: PCCB (propionyl-CoA carboxylase subunit beta; plus strand). Cytogenetic location: 3q22.3.
Variant type: single nucleotide variant.
Coding change: c.1276A>C on transcript NM_000532.5 (MANE Select); coding-DNA position 1276, A replaced by C.
Protein change: p.Lys426Gln; replaces lysine 426 with glutamine.
Molecular consequence: missense variant.
Genome position (GRCh38, 1-based): chr3:136,327,232, A>C. VCF-style: chr3-136327232-A-C. GRCh37 (hg19) VCF-style: chr3-136046074-A-C.
Other names: c.1336A>C, p.Lys446Gln (NM_001178014.2); short protein forms K426Q, K446Q.
Identifiers: ClinVar variation 3368260 (VCV003368260.1).